The following is an entry in ClinVar:

ClinVar aggregate classification (germline): Uncertain significance (1 of 4 stars; one submission).

gnomAD v4.1: 16 of 700,302 alleles (0.0023%); highest among the groups gnomAD compares: East Asian, 0.0054%; no homozygotes.

Submission:

Labcorp Genetics (formerly Invitae), Labcorp
Classification: Uncertain significance. Last evaluated: 2022-02-20. Review status: criteria provided, single submitter. Criteria: Invitae Variant Classification Sherloc (09022015). Collection method: clinical testing. Allele origin: germline.
Comment: This variant occurs in the RNU4ATAC gene, which encodes an RNA molecule that does not result in a protein product. This variant is present in population databases (no rsID available, gnomAD 0.007%). This variant has not been reported in the literature in individuals affected with RNU4ATAC-related conditions. Experimental studies and prediction algorithms are not available or were not evaluated, and the functional significance of this variant is currently unknown. In summary, the available evidence is currently insufficient to determine the role of this variant in disease. Therefore, it has been classified as a Variant of Uncertain Significance.

NC_000002.12:g.121530951A>C

Genes: CLASP1 (cytoplasmic linker associated protein 1; minus strand), CLASP1-AS1 (CLASP1 antisense RNA 1; plus strand), RNU4ATAC (RNA, U4atac small nuclear; plus strand). Cytogenetic location: 2q14.2.
Variant type: single nucleotide variant.
Molecular consequence: intron variant (on NM_001395891.1).
Genome position: GRCh38 VCF-style: chr2-121530951-A-C. GRCh37 (hg19) VCF-style: chr2-122288527-A-C.
Other names: c.196-626T>G (NM_001142274.2, NM_015282.3, NM_001378003.1 and 5 more transcripts).
Identifiers: ClinVar variation 1922841 (VCV001922841.2), dbSNP rs531079609, ClinGen allele CA54810915.